The following is an entry in ClinVar:

NM_006979.3(SLC39A7):c.1045A>C (p.Ile349Leu)

Gene: SLC39A7 (solute carrier family 39 member 7; plus strand). Cytogenetic location: 6p21.32.
Variant type: single nucleotide variant.
Coding change: c.1045A>C on transcript NM_006979.3 (MANE Select); coding-DNA position 1045, A replaced by C.
Protein change: p.Ile349Leu; replaces isoleucine 349 with leucine.
Molecular consequence: missense variant.
Genome position (GRCh38, 1-based): chr6:33,203,014, A>C. VCF-style: chr6-33203014-A-C. GRCh37 (hg19) VCF-style: chr6-33170791-A-C.
Other names: c.1045A>C, p.Ile349Leu (NM_001077516.2); c.670A>C, p.Ile224Leu (NM_001288777.2); c.1045A>C (NM_006979.2); short protein forms I224L, I349L.
Identifiers: ClinVar variation 2093576 (VCV002093576.5), dbSNP rs1423895153, ClinGen allele CA363645313.

ClinVar aggregate classification (germline): Uncertain significance. Review status: criteria provided, multiple submitters, no conflicts (2 of 4 stars). 2 submissions from 2 submitters: Uncertain significance (2). Last evaluated 2024-12-13.

Allele frequency attached by ClinVar (database versions not stated): gnomAD exomes below 0.00001; gnomAD 0.00001; TOPMed 0.00001.
gnomAD v4.1: 6 of 1,612,490 alleles (0.00037%); highest among the groups gnomAD compares: Non-Finnish European, 0.00051%; no homozygotes.

Submissions (2):

Ambry Genetics
Classification: Uncertain significance. Last evaluated: 2024-12-13. Review status: criteria provided, single submitter. Criteria: Ambry Variant Classification Scheme 2023. Collection method: clinical testing. Allele origin: germline.

Labcorp Genetics (formerly Invitae), Labcorp
Classification: Uncertain significance. Last evaluated: 2022-03-29. Review status: criteria provided, single submitter. Criteria: Invitae Variant Classification Sherloc (09022015). Collection method: clinical testing. Allele origin: germline.
Comment: This sequence change replaces isoleucine, which is neutral and non-polar, with leucine, which is neutral and non-polar, at codon 349 of the SLC39A7 protein (p.Ile349Leu). This variant is not present in population databases (gnomAD no frequency). This variant has not been reported in the literature in individuals affected with SLC39A7-related conditions. Algorithms developed to predict the effect of missense changes on protein structure and function (SIFT, PolyPhen-2, Align-GVGD) all suggest that this variant is likely to be tolerated. In summary, the available evidence is currently insufficient to determine the role of this variant in disease. Therefore, it has been classified as a Variant of Uncertain Significance.